The following is an entry in ClinVar:

ClinVar aggregate classification (germline): Likely benign. Review status: criteria provided, multiple submitters, no conflicts (2 of 4 stars). 4 submissions from 4 submitters: Likely benign (4). Last evaluated 2025-10-02.

Allele frequency attached by ClinVar (database versions not stated): 1000 Genomes Project 30x 0.00109; 1000 Genomes Project 0.00120; ESP Exome Variant Server 0.00331; gnomAD 0.00343 and 0.00349; TOPMed 0.00350; gnomAD exomes 0.00374 and 0.00534; ExAC 0.00391.
gnomAD v4.1: 8,309 of 1,614,108 alleles (0.51%); highest among the groups gnomAD compares: Non-Finnish European, 0.63%; 38 homozygotes.

Submissions (4):

Labcorp Genetics (formerly Invitae), Labcorp
Classification: Likely benign. Last evaluated: 2025-10-02. Review status: criteria provided, single submitter. Criteria: Invitae Variant Classification Sherloc (09022015). Collection method: clinical testing. Allele origin: germline.

Blueprint Genetics
Classification: Likely benign. Last evaluated: 2024-11-20. Review status: criteria provided, single submitter. Criteria: ACMG Guidelines, 2015. Collection method: clinical testing. Allele origin: germline.

CeGaT Center for Human Genetics Tuebingen
Classification: Likely benign. Last evaluated: 2023-03-01. Review status: criteria provided, single submitter. Criteria: CeGaT Center For Human Genetics Tuebingen Variant Classification Criteria Version 2. Collection method: clinical testing. Allele origin: germline. Affected: yes. Observed: 1 variant allele.
Comment: CELSR2: BS2

Breakthrough Genomics
Classification: Likely benign. Review status: criteria provided, single submitter. Criteria: ACMG Guidelines, 2015. Collection method: not provided. Allele origin: germline. Inheritance: Unknown mechanism. Affected: yes.

NM_001408.3(CELSR2):c.1892C>T (p.Thr631Met)

Gene: CELSR2 (cadherin EGF LAG seven-pass G-type receptor 2; plus strand). Cytogenetic location: 1p13.3.
Variant type: single nucleotide variant.
Coding change: c.1892C>T on transcript NM_001408.3 (MANE Select); coding-DNA position 1892, C replaced by T.
Protein change: p.Thr631Met; replaces threonine 631 with methionine.
Molecular consequence: missense variant.
Genome position (GRCh38, 1-based): chr1:109,251,971, C>T. VCF-style: chr1-109251971-C-T. GRCh37 (hg19) VCF-style: chr1-109794593-C-T.
Other names: short protein forms T631M.
Identifiers: ClinVar variation 734037 (VCV000734037.34), dbSNP rs41279706, ClinGen allele CA986652.